The following is an entry in ClinVar:

NM_003119.4(SPG7):c.1232A>G (p.Asp411Gly)

Gene: SPG7 (SPG7 matrix AAA peptidase subunit, paraplegin; plus strand). Cytogenetic location: 16q24.3.
Variant type: single nucleotide variant.
Coding change: c.1232A>G on transcript NM_003119.4 (MANE Select); coding-DNA position 1232, A replaced by G.
Protein change: p.Asp411Gly; replaces aspartic acid 411 with glycine.
Molecular consequence: missense variant.
Genome position (GRCh38, 1-based): chr16:89,532,544, A>G. VCF-style: chr16-89532544-A-G. GRCh37 (hg19) VCF-style: chr16-89598952-A-G.
Other names: c.1232A>G, p.Asp411Gly (NM_001363850.1, NM_199367.3); short protein forms D411G.
Identifiers: ClinVar variation 4975987 (VCV004975987.1).

ClinVar aggregate classification (germline): Uncertain significance (1 of 4 stars; one submission).

Submission:

GeneDx
Classification: Uncertain significance. Last evaluated: 2026-02-04. Review status: criteria provided, single submitter. Criteria: GeneDx Variant Classification Process June 2021. Collection method: clinical testing. Allele origin: germline.
Comment: Not observed at significant frequency in large population cohorts (gnomAD); In silico analysis supports that this missense variant has a deleterious effect on protein structure/function; Has not been previously published as pathogenic or benign to our knowledge; This variant is associated with the following publications: (PMID: 22571692)